The following is an entry in ClinVar:

NM_001357.5(DHX9):c.496G>A (p.Val166Met)

Gene: DHX9 (DExH-box helicase 9; plus strand). Cytogenetic location: 1q25.3.
Variant type: single nucleotide variant.
Coding change: c.496G>A on transcript NM_001357.5 (MANE Select); coding-DNA position 496, G replaced by A.
Protein change: p.Val166Met; replaces valine 166 with methionine.
Molecular consequence: missense variant. On other transcripts: non-coding transcript variant (1).
Genome position (GRCh38, 1-based): chr1:182,854,048, G>A. VCF-style: chr1-182854048-G-A. GRCh37 (hg19) VCF-style: chr1-182823183-G-A.
Other names: short protein forms V166M.
Identifiers: ClinVar variation 3573847 (VCV003573847.2).
Genomic context (GRCh38, chr1:182,854,048, plus strand): 5'-TAAACTTAACACAGCCAAATTTAATTATCATTGATTCTACAGACTCTAGAATCAGAAGAA[G>A]TGGATTTAAATGCTGGGCTTCATGGAAACTGGACCTTGGAAAATGCTAAAGCTCGTCTAA-3'
Protein context (NP_001348.2, residues 156-176): EVQATLESEE[Val166Met]DLNAGLHGNW

ClinVar aggregate classification (germline): Uncertain significance (1 of 4 stars; one submission).

Submission:

GeneDx
Classification: Uncertain significance. Last evaluated: 2025-07-30. Review status: criteria provided, single submitter. Criteria: GeneDx Variant Classification Process June 2021. Collection method: clinical testing. Allele origin: germline.
Comment: Not observed at significant frequency in large population cohorts (gnomAD); In silico analysis suggests that this missense variant does not alter protein structure/function; Has not been previously published as pathogenic or benign to our knowledge